The following is an entry in ClinVar:

NM_014915.3(ANKRD26):c.-108C>T

Gene: ANKRD26 (ankyrin repeat domain 26; minus strand). Cytogenetic location: 10p12.1.
Variant type: single nucleotide variant.
Coding change: c.-108C>T on transcript NM_014915.3 (MANE Select); 108 bases upstream of the start codon, C replaced by T.
Molecular consequence: 5 prime UTR variant.
Genome position (GRCh38, 1-based): chr10:27,100,434, G>A on the plus strand (C>T on the coding strand, the complement: ANKRD26 is on the minus strand). VCF-style: chr10-27100434-G-A. GRCh37 (hg19) VCF-style: chr10-27389363-G-A.
Other names: c.-108C>T (NM_001256053.2).
Identifiers: ClinVar variation 4761701 (VCV004761701.1).

ClinVar aggregate classification (germline): Uncertain significance (1 of 4 stars; one submission).

Submission:

Labcorp Genetics (formerly Invitae), Labcorp
Classification: Uncertain significance. Last evaluated: 2025-06-17. Review status: criteria provided, single submitter. Criteria: Invitae Variant Classification Sherloc (09022015). Collection method: clinical testing. Allele origin: germline.
Comment: This variant occurs in a non-coding region of the ANKRD26 gene. It does not change the encoded amino acid sequence of the ANKRD26 protein. This variant is not present in population databases (gnomAD no frequency). This variant has not been reported in the literature in individuals affected with ANKRD26-related conditions. In summary, the available evidence is currently insufficient to determine the role of this variant in disease. Therefore, it has been classified as a Variant of Uncertain Significance.